The following is an entry in ClinVar:

ClinVar aggregate classification (germline): Benign (0 of 4 stars; one submission).

Conditions:
NAV2-related disorder. Also called: NAV2-related condition.

Allele frequency attached by ClinVar (database versions not stated): 1000 Genomes Project 0.01118; 1000 Genomes Project 30x 0.01280; ESP Exome Variant Server 0.01284.
gnomAD v4.1: 3,381 of 1,613,682 alleles (0.21%); highest among the groups gnomAD compares: African/African-American, 4.1%; 54 homozygotes.

Submission:

PreventionGenetics, part of Exact Sciences
Classification: Benign for NAV2-related condition. Last evaluated: 2019-11-25. Review status: no assertion criteria provided. Collection method: clinical testing. Allele origin: germline.
Comment: This variant is classified as benign based on ACMG/AMP sequence variant interpretation guidelines (Richards et al. 2015 PMID: 25741868, with internal and published modifications).

NM_145117.5(NAV2):c.5934C>G (p.Leu1978=)

Gene: NAV2 (neuron navigator 2; plus strand). Cytogenetic location: 11p15.1.
Variant type: single nucleotide variant.
Coding change: c.5934C>G on transcript NM_145117.5 (MANE Select); coding-DNA position 5934, C replaced by G.
Protein change: p.Leu1978=; no amino-acid change (leucine 1978 retained).
Molecular consequence: synonymous variant.
Genome position (GRCh38, 1-based): chr11:20,095,689, C>G. VCF-style: chr11-20095689-C-G. GRCh37 (hg19) VCF-style: chr11-20117235-C-G.
Other names: c.5742C>G, p.Leu1914= (NM_001111018.2); c.3126C>G, p.Leu1042= (NM_001111019.3); c.6111C>G, p.Leu2037= (NM_001244963.2); c.5943C>G, p.Leu1981= (NM_182964.6).
Identifiers: ClinVar variation 3037978 (VCV003037978.2), dbSNP rs34775480, ClinGen allele CA5919219.